The following is an entry in ClinVar:

NM_000091.5(COL4A3):c.3035G>T (p.Gly1012Val)

Genes: COL4A3 (collagen type IV alpha 3 chain; plus strand), MFF-DT (MFF divergent transcript; minus strand). Cytogenetic location: 2q36.3.
Variant type: single nucleotide variant.
Coding change: c.3035G>T on transcript NM_000091.5 (MANE Select); coding-DNA position 3035, G replaced by T.
Protein change: p.Gly1012Val; replaces glycine 1012 with valine.
Molecular consequence: missense variant.
Genome position (GRCh38, 1-based): chr2:227,290,053, G>T. VCF-style: chr2-227290053-G-T. GRCh37 (hg19) VCF-style: chr2-228154769-G-T.
Other names: short protein forms G1012V.
Identifiers: ClinVar variation 4857287 (VCV004857287.1).

ClinVar aggregate classification (germline): Likely pathogenic (1 of 4 stars; one submission).

Conditions:
Autosomal dominant Alport syndrome (ATS3A). Also called: Alport syndrome dominant type; Renal failure and sensorineural hearing loss; ALPORT SYNDROME 3A, AUTOSOMAL DOMINANT. Identifiers: Orphanet 63, Orphanet 88918, MedGen C5882663, MONDO:0007086, OMIM 104200.

Submission:

MVZ Medizinische Genetik Mainz
Classification: Likely pathogenic for Autosomal dominant Alport syndrome. Last evaluated: 2026-05-28. Review status: criteria provided, single submitter. Criteria: UK Practice Guidelines For Variant Classification V4 01 2020. Collection method: clinical testing. Allele origin: germline. Inheritance: Autosomal dominant inheritance. Affected: yes. Observed: 1 variant allele.
Comment: ACMG Criteria: PM1_STR,PM2_SUP,PP3,PP4